The following is an entry in ClinVar:

NM_001382567.1(STIM1):c.1092C>G (p.Ile364Met)

Gene: STIM1 (stromal interaction molecule 1; plus strand). Cytogenetic location: 11p15.4.
Variant type: single nucleotide variant.
Coding change: c.1092C>G on transcript NM_001382567.1 (MANE Select); coding-DNA position 1092, C replaced by G.
Protein change: p.Ile364Met; replaces isoleucine 364 with methionine.
Molecular consequence: missense variant. On other transcripts: non-coding transcript variant (2).
Genome position (GRCh38, 1-based): chr11:4,082,306, C>G. VCF-style: chr11-4082306-C-G. GRCh37 (hg19) VCF-style: chr11-4103536-C-G.
Other names: c.1092C>G, p.Ile364Met (NM_001277961.3, NM_001277962.2, NM_001382568.1 and 1 more transcripts); c.870C>G, p.Ile290Met (NM_001382566.1, NM_001382573.1, NM_001382575.1 and 4 more transcripts); c.957C>G, p.Ile319Met (NM_001382569.1); c.864C>G, p.Ile288Met (NM_001382570.1); c.612C>G, p.Ile204Met (NM_001382571.1); c.603C>G, p.Ile201Met (NM_001382580.1, NM_001382581.1); short protein forms I201M, I204M, I288M, I290M, I319M, I364M.
Identifiers: ClinVar variation 3758782 (VCV003758782.2).

ClinVar aggregate classification (germline): Uncertain significance (1 of 4 stars; one submission).

Conditions:
Combined immunodeficiency due to STIM1 deficiency. Also called: IMMUNODEFICIENCY 10; STIM1 DEFICIENCY. Identifiers: Orphanet 169090, Orphanet 317430, MedGen C2748557, MONDO:0013008, OMIM 612783.
Stormorken syndrome (STRMK). Also called: THROMBOCYTOPATHY, ASPLENIA, AND MIOSIS. Identifiers: Orphanet 3204, MedGen C1861451, MONDO:0008497, OMIM 185070.
Myopathy with tubular aggregates (TAM). Also called: Tubular Aggregate Myopathy. Identifiers: Orphanet 2593, MedGen C0410207, MONDO:0008051.

gnomAD v4.1: 4 of 1,613,654 alleles (0.00025%); highest among the groups gnomAD compares: Non-Finnish European, 0.00017%; no homozygotes.

Submission:

Labcorp Genetics (formerly Invitae), Labcorp
Classification: Uncertain significance for Myopathy with tubular aggregates; Combined immunodeficiency due to STIM1 deficiency; Stormorken syndrome. Last evaluated: 2025-03-25. Review status: criteria provided, single submitter. Criteria: Invitae Variant Classification Sherloc (09022015). Collection method: clinical testing. Allele origin: germline.
Comment: This sequence change replaces isoleucine, which is neutral and non-polar, with methionine, which is neutral and non-polar, at codon 364 of the STIM1 protein (p.Ile364Met). This variant is present in population databases (no rsID available, gnomAD 0.0009%). This variant has not been reported in the literature in individuals affected with STIM1-related conditions. Invitae Evidence Modeling of protein sequence and biophysical properties (such as structural, functional, and spatial information, amino acid conservation, physicochemical variation, residue mobility, and thermodynamic stability) has been performed for this missense variant. However, the output from this modeling did not meet the statistical confidence thresholds required to predict the impact of this variant on STIM1 protein function. In summary, the available evidence is currently insufficient to determine the role of this variant in disease. Therefore, it has been classified as a Variant of Uncertain Significance.